The following is an entry in ClinVar:

ClinVar aggregate classification (germline): Uncertain significance (1 of 4 stars; one submission).

Submission:

Labcorp Genetics (formerly Invitae), Labcorp
Classification: Uncertain significance. Last evaluated: 2022-08-27. Review status: criteria provided, single submitter. Criteria: Invitae Variant Classification Sherloc (09022015). Collection method: clinical testing. Allele origin: germline.
Comment: In summary, the available evidence is currently insufficient to determine the role of this variant in disease. Therefore, it has been classified as a Variant of Uncertain Significance. Algorithms developed to predict the effect of missense changes on protein structure and function are either unavailable or do not agree on the potential impact of this missense change (SIFT: "Deleterious"; PolyPhen-2: "Benign"; Align-GVGD: "Class C55"). ClinVar contains an entry for this variant (Variation ID: 1463551). This variant has not been reported in the literature in individuals affected with CAMK2B-related conditions. This variant is not present in population databases (gnomAD no frequency). This sequence change replaces alanine, which is neutral and non-polar, with glycine, which is neutral and non-polar, at codon 425 of the CAMK2B protein (p.Ala425Gly).

NM_001220.5(CAMK2B):c.1274C>G (p.Ala425Gly)

Gene: CAMK2B (calcium/calmodulin dependent protein kinase II beta; minus strand). Cytogenetic location: 7p13.
Variant type: single nucleotide variant.
Coding change: c.1274C>G on transcript NM_001220.5 (MANE Select); coding-DNA position 1274, C replaced by G.
Protein change: p.Ala425Gly; replaces alanine 425 with glycine.
Molecular consequence: missense variant. On other transcripts: intron variant (8).
Genome position (GRCh38, 1-based): chr7:44,229,453, G>C on the plus strand (C>G on the coding strand, the complement: CAMK2B is on the minus strand). VCF-style: chr7-44229453-G-C. GRCh37 (hg19) VCF-style: chr7-44269052-G-C.
Other names: c.947-8552C>G (NM_172084.3); c.1150+1553C>G (NM_172080.3); c.1036+1553C>G (NM_172083.3); c.1108+1553C>G (NM_172081.3); c.1153+1553C>G (NM_172079.3, NM_172082.3); c.1225+1553C>G (NM_001293170.2, NM_172078.3); short protein forms A425G.
Identifiers: ClinVar variation 1463551 (VCV001463551.6), dbSNP rs2096556612, ClinGen allele CA367374521.